The following is an entry in ClinVar:

ClinVar aggregate classification (germline): Benign/Likely benign. Review status: criteria provided, multiple submitters, no conflicts (2 of 4 stars). 6 submissions from 6 submitters: Benign (2); Likely benign (3). 1 of the submissions does not count toward it. Last evaluated 2026-09-16.

Conditions:
DNMT3A-related disorder. Also called: DNMT3A-related disorders; DNMT3A-related condition.
Myeloproliferative neoplasm. Identifiers: Orphanet 98274, MedGen C1292778, MONDO:0020076.
Inborn genetic diseases. Identifiers: MedGen C0950123, MeSH D030342.
Tatton-Brown-Rahman overgrowth syndrome. Also called: Tatton-Brown-Rahman syndrome; Tall stature-intellectual disability-facial dysmorphism syndrome. Identifiers: Orphanet 404443, MedGen C4014545, MONDO:0014382, OMIM 615879.

Allele frequency attached by ClinVar (database versions not stated): gnomAD 0.00004 and 0.00014; TOPMed 0.00005; 1000 Genomes Project 30x 0.00062; 1000 Genomes Project 0.00080.
gnomAD v4.1: 292 of 1,614,110 alleles (0.018%); highest among the groups gnomAD compares: South Asian, 0.27%; 4 homozygotes.

Submissions (6):

Dept of Medical Biology, Uskudar University
Classification: Likely benign for Myeloproliferative neoplasm. Last evaluated: 2026-09-16. Review status: criteria provided, single submitter. Criteria: Dept of Medical Biology Variant Classification. Collection method: research. Allele origin: germline. Affected: yes. Observed: 1 variant allele.
Comment: BS1: allele frequency 2.9e-03 in the South Asian population and 1.9e-04 overall in gnomAD v4.1. BP7: synonymous variant with no predicted splicing effect (SpliceAI maximum delta score 0.00). BP6: classified as benign or likely benign in ClinVar (VCV000434950). BS1 was applied at full strength where the gnomAD v4.1 grpmax filtering allele frequency exceeds 2.5e-04 (PMID:28518168) and at supporting strength where only the unfiltered population frequency does. Classified as likely benign under the ACMG/AMP 2015 guidelines (PMID:25741868). Detected in a retrospective series of 256 BCR::ABL1-negative and JAK2 V617F-negative patients referred for molecular investigation of a suspected myeloproliferative neoplasm (May 2007 to January 2015) and re-interpreted under the ACMG/AMP 2015 criteria.

Labcorp Genetics (formerly Invitae), Labcorp
Classification: Benign for Tatton-Brown-Rahman overgrowth syndrome. Last evaluated: 2025-06-13. Review status: criteria provided, single submitter. Criteria: Invitae Variant Classification Sherloc (09022015). Collection method: clinical testing. Allele origin: germline.

Ambry Genetics
Classification: Likely benign for Inborn genetic diseases. Last evaluated: 2024-11-21. Review status: criteria provided, single submitter. Criteria: Ambry Variant Classification Scheme 2023. Collection method: clinical testing. Allele origin: germline.

GeneDx
Classification: Benign. Last evaluated: 2019-04-15. Review status: criteria provided, single submitter. Criteria: GeneDx Variant Classification Process June 2021. Collection method: clinical testing. Allele origin: germline. Affected: yes.

Genetic Services Laboratory, University of Chicago
Classification: Likely benign. Last evaluated: 2016-07-14. Review status: criteria provided, single submitter. Criteria: ACMG Guidelines, 2015. Collection method: clinical testing. Allele origin: germline. Affected: no.

PreventionGenetics, part of Exact Sciences
Classification: Likely benign for DNMT3A-related condition. Last evaluated: 2021-04-23. Review status: no assertion criteria provided. Collection method: clinical testing. Allele origin: germline. Not counted in ClinVar's aggregate classification.
Comment: This variant is classified as likely benign based on ACMG/AMP sequence variant interpretation guidelines (Richards et al. 2015 PMID: 25741868, with internal and published modifications).

NM_022552.5(DNMT3A):c.2652G>A (p.Ala884=)

Gene: DNMT3A (DNA methyltransferase 3 alpha; minus strand). Cytogenetic location: 2p23.3.
Variant type: single nucleotide variant.
Coding change: c.2652G>A on transcript NM_022552.5 (MANE Select); coding-DNA position 2652, G replaced by A.
Protein change: p.Ala884=; no amino-acid change (alanine 884 retained).
Molecular consequence: synonymous variant. On other transcripts: non-coding transcript variant (1).
Genome position (GRCh38, 1-based): chr2:25,234,366, C>T on the plus strand (G>A on the coding strand, the complement: DNMT3A is on the minus strand). VCF-style: chr2-25234366-C-T. GRCh37 (hg19) VCF-style: chr2-25457235-C-T.
Other names: c.2652G>A (NM_022552.3); c.2652G>A, p.Ala884= (NM_175629.2); c.2196G>A, p.Ala732= (NM_001320893.1); c.1983G>A, p.Ala661= (NM_001375819.1); c.2085G>A, p.Ala695= (NM_153759.3).
Identifiers: ClinVar variation 434950 (VCV000434950.19), dbSNP rs537647207, ClinGen allele CA1555485.